The following is an entry in ClinVar:

NM_001277083.2(POTEJ):c.1728C>T (p.His576=)

Gene: POTEJ (POTE ankyrin domain family member J; plus strand). Cytogenetic location: 2q21.1.
Variant type: single nucleotide variant.
Coding change: c.1728C>T on transcript NM_001277083.2 (MANE Select); coding-DNA position 1728, C replaced by T.
Protein change: p.His576=; no amino-acid change (histidine 576 retained).
Molecular consequence: synonymous variant.
Genome position (GRCh38, 1-based): chr2:130,654,981, C>T. VCF-style: chr2-130654981-C-T. GRCh37 (hg19) VCF-style: chr2-131412554-C-T.
Identifiers: ClinVar variation 4534160 (VCV004534160.6).

ClinVar aggregate classification (germline): Likely benign (1 of 4 stars; one submission).

Submission:

CeGaT Center for Human Genetics Tuebingen
Classification: Likely benign. Last evaluated: 2025-11-01. Review status: criteria provided, single submitter. Criteria: CeGaT Center For Human Genetics Tuebingen Variant Classification Criteria Version 2. Collection method: clinical testing. Allele origin: germline. Affected: yes. Observed: 1 variant allele.
Comment: POTEJ: BP4, BP7